The following is an entry in ClinVar:

NM_001003800.2(BICD2):c.454-4A>G

Gene: BICD2 (BICD cargo adaptor 2; minus strand). Cytogenetic location: 9q22.31.
Variant type: single nucleotide variant.
Coding change: c.454-4A>G on transcript NM_001003800.2 (MANE Select); 4 bases into the intron before coding-DNA position 454, A replaced by G.
Molecular consequence: intron variant.
Genome position (GRCh38, 1-based): chr9:92,722,812, T>C on the plus strand (A>G on the coding strand, the complement: BICD2 is on the minus strand). VCF-style: chr9-92722812-T-C. GRCh37 (hg19) VCF-style: chr9-95485094-T-C.
Other names: c.454-4A>G (NM_015250.4).
Identifiers: ClinVar variation 1025982 (VCV001025982.9), dbSNP rs1379719399, ClinGen allele CA868528730.

ClinVar aggregate classification (germline): Uncertain significance (1 of 4 stars; one submission).

Conditions:
Autosomal dominant childhood-onset proximal spinal muscular atrophy with contractures (SMALED2A). Also called: SPINAL MUSCULAR ATROPHY, LOWER EXTREMITY-PREDOMINANT, 2A, CHILDHOOD ONSET, AUTOSOMAL DOMINANT; Spinal muscular atrophy, lower extremity-predominant, 2A, autosomal dominant. Identifiers: Orphanet 363447, Orphanet 363454, MedGen C4747715, MONDO:0014121, OMIM 615290.

Allele frequency attached by ClinVar (database versions not stated): gnomAD 0.00001; TOPMed 0.00001; gnomAD exomes 0.00002.
gnomAD v4.1: 16 of 1,613,904 alleles (0.00099%); highest among the groups gnomAD compares: Non-Finnish European, 0.0014%; no homozygotes.

Submission:

Labcorp Genetics (formerly Invitae), Labcorp
Classification: Uncertain significance for Autosomal dominant childhood-onset proximal spinal muscular atrophy with contractures. Last evaluated: 2025-02-26. Review status: criteria provided, single submitter. Criteria: Invitae Variant Classification Sherloc (09022015). Collection method: clinical testing. Allele origin: germline.
Comment: This sequence change falls in intron 2 of the BICD2 gene. It does not directly change the encoded amino acid sequence of the BICD2 protein. This variant is not present in population databases (gnomAD no frequency). This variant has not been reported in the literature in individuals affected with BICD2-related conditions. ClinVar contains an entry for this variant (Variation ID: 1025982). Algorithms developed to predict the effect of sequence changes on RNA splicing suggest that this variant may create or strengthen a splice site. In summary, the available evidence is currently insufficient to determine the role of this variant in disease. Therefore, it has been classified as a Variant of Uncertain Significance.